The following is an entry in ClinVar:

ClinVar aggregate classification (germline): Uncertain significance (1 of 4 stars; one submission).

Conditions:
Dilated cardiomyopathy 1M (CMD1M). Identifiers: Orphanet 154, MedGen C1843808, MONDO:0011840, OMIM 607482.
Hypertrophic cardiomyopathy 12. Identifiers: MedGen C2677491, MONDO:0012804, OMIM 612124.

Submission:

Labcorp Genetics (formerly Invitae), Labcorp
Classification: Uncertain significance for Hypertrophic cardiomyopathy 12; Dilated cardiomyopathy 1M. Last evaluated: 2022-03-26. Review status: criteria provided, single submitter. Criteria: Invitae Variant Classification Sherloc (09022015). Collection method: clinical testing. Allele origin: unknown.
Comment: In summary, the available evidence is currently insufficient to determine the role of this variant in disease. Therefore, it has been classified as a Variant of Uncertain Significance. Experimental studies and prediction algorithms are not available or were not evaluated, and the functional significance of this variant is currently unknown. This variant has not been reported in the literature in individuals affected with CSRP3-related conditions. This variant is a gross deletion of the genomic region encompassing exon(s) 5-6 of the CSRP3 gene. While this deletion is not anticipated to lead to nonsense mediated decay, it is expected to disrupt the C-terminus of the protein.

NC_000011.9:g.(?_19206479)_(19207915_?)del

Gene: CSRP3 (cysteine and glycine rich protein 3; minus strand). Cytogenetic location: 11p15.1.
Variant type: Deletion.
Identifiers: ClinVar variation 3244682 (VCV003244682.1).